The following is an entry in ClinVar:

NM_144670.6(A2ML1):c.3776C>T (p.Ser1259Phe)

Gene: A2ML1 (alpha-2-macroglobulin like 1; plus strand). Cytogenetic location: 12p13.31.
Variant type: single nucleotide variant.
Coding change: c.3776C>T on transcript NM_144670.6 (MANE Select); coding-DNA position 3776, C replaced by T.
Protein change: p.Ser1259Phe; replaces serine 1259 with phenylalanine.
Molecular consequence: missense variant.
Genome position (GRCh38, 1-based): chr12:8,867,900, C>T. VCF-style: chr12-8867900-C-T. GRCh37 (hg19) VCF-style: chr12-9020496-C-T.
Other names: c.2303C>T, p.Ser768Phe (NM_001282424.3); short protein forms S1259F, S768F.
Identifiers: ClinVar variation 2813811 (VCV002813811.3), dbSNP rs2539307612, ClinGen allele CA383843996.
Genomic context (GRCh38, chr12:8,867,900, plus strand): 5'-AGGATACTGTAGTTGCTCTCCAAGCTCTTGCCAAATATGCCACTACCGCCTACATGCCAT[C>T]TGAGGAGATCAACCTGGTTGTAAAATCCACTGAGAATTTCCAGCGCACATTCAACATACA-3'
Protein context (NP_653271.3, residues 1249-1269): AKYATTAYMP[Ser1259Phe]EEINLVVKST

ClinVar aggregate classification (germline): Uncertain significance (1 of 4 stars; one submission).

Submission:

Labcorp Genetics (formerly Invitae), Labcorp
Classification: Uncertain significance. Last evaluated: 2022-11-12. Review status: criteria provided, single submitter. Criteria: Invitae Variant Classification Sherloc (09022015). Collection method: clinical testing. Allele origin: germline.
Comment: This variant is not present in population databases (gnomAD no frequency). This sequence change replaces serine, which is neutral and polar, with phenylalanine, which is neutral and non-polar, at codon 1259 of the A2ML1 protein (p.Ser1259Phe). This variant has not been reported in the literature in individuals affected with A2ML1-related conditions. Algorithms developed to predict the effect of missense changes on protein structure and function are either unavailable or do not agree on the potential impact of this missense change (SIFT: "Tolerated"; PolyPhen-2: "Possibly Damaging"; Align-GVGD: "Class C0"). In summary, the available evidence is currently insufficient to determine the role of this variant in disease. Therefore, it has been classified as a Variant of Uncertain Significance.